The following is an entry in ClinVar:

NM_001854.4(COL11A1):c.4862A>C (p.Glu1621Ala)

Gene: COL11A1 (collagen type XI alpha 1 chain; minus strand). Cytogenetic location: 1p21.1.
Variant type: single nucleotide variant.
Coding change: c.4862A>C on transcript NM_001854.4 (MANE Select); coding-DNA position 4862, A replaced by C.
Protein change: p.Glu1621Ala; replaces glutamic acid 1621 with alanine.
Molecular consequence: missense variant. On other transcripts: non-coding transcript variant (1).
Genome position (GRCh38, 1-based): chr1:102,883,308, T>G on the plus strand (A>C on the coding strand, the complement: COL11A1 is on the minus strand). VCF-style: chr1-102883308-T-G. GRCh37 (hg19) VCF-style: chr1-103348864-T-G.
Other names: c.4745A>C, p.Glu1582Ala (NM_001190709.2); c.4898A>C, p.Glu1633Ala (NM_080629.3); c.4514A>C, p.Glu1505Ala (NM_080630.4); short protein forms E1633A, E1505A, E1582A, E1621A.
Identifiers: ClinVar variation 3654293 (VCV003654293.2).

ClinVar aggregate classification (germline): Uncertain significance (1 of 4 stars; one submission).

gnomAD v4.1: 1 of 1,606,424 alleles (0.000062%); highest among the groups gnomAD compares: Non-Finnish European, 0.000085%; no homozygotes.

Submission:

Labcorp Genetics (formerly Invitae), Labcorp
Classification: Uncertain significance. Last evaluated: 2024-05-28. Review status: criteria provided, single submitter. Criteria: Invitae Variant Classification Sherloc (09022015). Collection method: clinical testing. Allele origin: germline.
Comment: This sequence change replaces glutamic acid, which is acidic and polar, with alanine, which is neutral and non-polar, at codon 1621 of the COL11A1 protein (p.Glu1621Ala). This variant is not present in population databases (gnomAD no frequency). This variant has not been reported in the literature in individuals affected with COL11A1-related conditions. Advanced modeling of protein sequence and biophysical properties (such as structural, functional, and spatial information, amino acid conservation, physicochemical variation, residue mobility, and thermodynamic stability) performed at Invitae indicates that this missense variant is not expected to disrupt COL11A1 protein function with a negative predictive value of 80%. In summary, the available evidence is currently insufficient to determine the role of this variant in disease. Therefore, it has been classified as a Variant of Uncertain Significance.